The following is an entry in ClinVar:

ClinVar aggregate classification (germline): Pathogenic. Review status: criteria provided, multiple submitters, no conflicts (2 of 4 stars). 2 submissions from 2 submitters: Pathogenic (2). Last evaluated 2022-09-01.

Conditions:
X-linked Alport syndrome (ATS1). Also called: NEPHROPATHY AND DEAFNESS, X-LINKED; COL4A5-Related Nephropathy. Identifiers: Orphanet 63, Orphanet 88917, MedGen C4746986, MONDO:0010520, OMIM 301050.

Submissions (2):

3billion
Classification: Pathogenic for X-linked Alport syndrome. Last evaluated: 2022-09-01. Review status: criteria provided, single submitter. Criteria: ACMG Guidelines, 2015. Collection method: clinical testing. Allele origin: germline. Affected: yes. Observed: 1 heterozygote.
Comment: The variant is not observed in the gnomAD v2.1.1 dataset. It is predicted to result in a loss or disruption of normal protein function through nonsense-mediated decay (NMD) or protein truncation. Multiple pathogenic variants are reported downstream of the variant. The variant has been reported to be associated with COL4A5-related disorder (ClinVar ID: VCV001456164). Therefore, this variant is classified as Pathogenic according to the recommendation of ACMG/AMP guideline.

Labcorp Genetics (formerly Invitae), Labcorp
Classification: Pathogenic. Last evaluated: 2022-06-03. Review status: criteria provided, single submitter. Criteria: Invitae Variant Classification Sherloc (09022015). Collection method: clinical testing. Allele origin: germline.
Comment: This sequence change creates a premature translational stop signal (p.Pro53Glnfs*102) in the COL4A5 gene. It is expected to result in an absent or disrupted protein product. Loss-of-function variants in COL4A5 are known to be pathogenic (PMID: 9195222, 10752524, 14514738, 24854265, 26809805). For these reasons, this variant has been classified as Pathogenic. ClinVar contains an entry for this variant (Variation ID: 1456164). This variant has not been reported in the literature in individuals affected with COL4A5-related conditions. This variant is not present in population databases (gnomAD no frequency).

Literature cited by the submitters: PubMed 9195222 (cited by Labcorp Genetics (formerly Invitae), Labcorp); PubMed 10752524 (cited by Labcorp Genetics (formerly Invitae), Labcorp); PubMed 14514738 (cited by Labcorp Genetics (formerly Invitae), Labcorp); PubMed 24854265 (cited by Labcorp Genetics (formerly Invitae), Labcorp); PubMed 26809805 (cited by Labcorp Genetics (formerly Invitae), Labcorp).

NM_033380.3(COL4A5):c.153del (p.Pro53fs)

Gene: COL4A5 (collagen type IV alpha 5 chain; plus strand). Cytogenetic location: Xq22.3.
Variant type: Deletion.
Coding change: c.153del on transcript NM_033380.3 (MANE Select); coding-DNA position 153, one base deleted (G; older notation c.153delG).
Protein change: p.Pro53fs; shifts the reading frame from proline 53.
Molecular consequence: frameshift variant.
Genome position (GRCh38, 1-based): chrX:108,559,075, G deleted; the last of 3 consecutive G bases (chrX:108,559,073-108,559,075); deleting any one gives the same sequence. VCF-style (leftmost placement, unchanged base first): chrX-108559072-AG-A. GRCh37 (hg19) VCF-style: chrX-107802302-AG-A.
Other names: c.153del, p.Pro53fs (NM_000495.5); short protein forms P53fs.
Identifiers: ClinVar variation 1456164 (VCV001456164.7), dbSNP rs2147722166, ClinGen allele CA2573159163.
Genomic context (GRCh38, chrX:108,559,072, plus strand): 5'-TGTGCTTGAAAATTCACAAATGACCTTACCTTTCATTCTCATTTAATTGCAGGGAGAGAG[AG>A]GGTTTCCAGGTTTGGAAGGACACCCAGGATTGCCTGGATTTCCAGGTCCAGAAGGGCCTC-3'